The following is an entry in ClinVar:

NM_144687.4(NLRP12):c.973A>G (p.Asn325Asp)

Gene: NLRP12 (NLR family pyrin domain containing 12; minus strand). Cytogenetic location: 19q13.42.
Variant type: single nucleotide variant.
Coding change: c.973A>G on transcript NM_144687.4 (MANE Select); coding-DNA position 973, A replaced by G.
Protein change: p.Asn325Asp; replaces asparagine 325 with aspartic acid.
Molecular consequence: missense variant.
Genome position (GRCh38, 1-based): chr19:53,810,686, T>C on the plus strand (A>G on the coding strand, the complement: NLRP12 is on the minus strand). VCF-style: chr19-53810686-T-C. GRCh37 (hg19) VCF-style: chr19-54313940-T-C.
Other names: c.973A>G, p.Asn325Asp (NM_001277126.2, NM_001277129.1); short protein forms N325D.
Identifiers: ClinVar variation 3616204 (VCV003616204.2).

ClinVar aggregate classification (germline): Uncertain significance (1 of 4 stars; one submission).

Conditions:
Familial cold autoinflammatory syndrome 2 (FCAS2). Identifiers: Orphanet 247868, MedGen C2673198, MONDO:0012724, OMIM 611762.

Submission:

Labcorp Genetics (formerly Invitae), Labcorp
Classification: Uncertain significance for Familial cold autoinflammatory syndrome 2. Last evaluated: 2024-07-19. Review status: criteria provided, single submitter. Criteria: Invitae Variant Classification Sherloc (09022015). Collection method: clinical testing. Allele origin: germline.
Comment: This sequence change replaces asparagine, which is neutral and polar, with aspartic acid, which is acidic and polar, at codon 325 of the NLRP12 protein (p.Asn325Asp). This variant is present in population databases (no rsID available, gnomAD 0.003%). This variant has not been reported in the literature in individuals affected with NLRP12-related conditions. Advanced modeling of protein sequence and biophysical properties (such as structural, functional, and spatial information, amino acid conservation, physicochemical variation, residue mobility, and thermodynamic stability) performed at Invitae indicates that this missense variant is not expected to disrupt NLRP12 protein function with a negative predictive value of 80%. In summary, the available evidence is currently insufficient to determine the role of this variant in disease. Therefore, it has been classified as a Variant of Uncertain Significance.